The following is an entry in ClinVar:

ClinVar aggregate classification (germline): Uncertain significance (1 of 4 stars; one submission).

Conditions:
Charcot-Marie-Tooth disease type 2E (CMT2E). Also called: CHARCOT-MARIE-TOOTH DISEASE, AXONAL, TYPE 2E; CHARCOT-MARIE-TOOTH NEUROPATHY, TYPE 2E. Identifiers: Orphanet 99939, MedGen C1843225, MONDO:0011894, OMIM 607684.

Allele frequency attached by ClinVar (database versions not stated): TOPMed below 0.00001; gnomAD 0.00001 and 0.00003; gnomAD exomes 0.00002; ExAC 0.00003.

Submission:

Labcorp Genetics (formerly Invitae), Labcorp
Classification: Uncertain significance for Charcot-Marie-Tooth disease type 2E. Last evaluated: 2018-11-08. Review status: criteria provided, single submitter. Criteria: Invitae Variant Classification Sherloc (09022015). Collection method: clinical testing. Allele origin: germline.
Comment: This sequence change replaces valine with methionine at codon 405 of the NEFL protein (p.Val405Met). The valine residue is highly conserved and there is a small physicochemical difference between valine and methionine. This variant is present in population databases (rs558941336, ExAC 0.01%). This variant has not been reported in the literature in individuals with NEFL-related disease. Algorithms developed to predict the effect of missense changes on protein structure and function are either unavailable or do not agree on the potential impact of this missense change (SIFT: "Deleterious"; PolyPhen-2: "Not Available"; Align-GVGD: "Class C0"). In summary, the available evidence is currently insufficient to determine the role of this variant in disease. Therefore, it has been classified as a Variant of Uncertain Significance.

NM_006158.5(NEFL):c.1213G>A (p.Val405Met)

Gene: NEFL (neurofilament light chain; minus strand). Cytogenetic location: 8p21.2.
Variant type: single nucleotide variant.
Coding change: c.1213G>A on transcript NM_006158.5 (MANE Select); coding-DNA position 1213, G replaced by A.
Protein change: p.Val405Met; replaces valine 405 with methionine.
Molecular consequence: missense variant.
Genome position (GRCh38, 1-based): chr8:24,953,752, C>T on the plus strand (G>A on the coding strand, the complement: NEFL is on the minus strand). VCF-style: chr8-24953752-C-T. GRCh37 (hg19) VCF-style: chr8-24811266-C-T.
Other names: short protein forms V405M.
Identifiers: ClinVar variation 646562 (VCV000646562.4), dbSNP rs558941336, ClinGen allele CA4681311.
Genomic context (GRCh38, chr8:24,953,752, plus strand): 5'-CGTAGGCAGATCGGCCAAAGACCTGGGAGCTCTGGGAGTAGCCACTGGTTATGCTTCCCA[C>T]GCTGGTGAAACTGAGTCGGGTCTCCTCGCCTTCCAAGAGTTTCCTGGGGATGCAGATGCA-3'
Protein context (NP_006149.2, residues 395-415): GEETRLSFTS[Val405Met]GSITSGYSQS